The following is an entry in ClinVar:

ClinVar aggregate classification (germline): Uncertain significance (1 of 4 stars; one submission).

Conditions:
Cardiovascular phenotype. Identifiers: MedGen CN230736.

gnomAD v4.1: 1 of 1,614,142 alleles (0.000062%); highest among the groups gnomAD compares: Non-Finnish European, 0.000085%; no homozygotes.

Submission:

Ambry Genetics
Classification: Uncertain significance for Cardiovascular phenotype. Last evaluated: 2026-05-20. Review status: criteria provided, single submitter. Criteria: Ambry Variant Classification Scheme 2023. Collection method: clinical testing. Allele origin: germline.
Comment: The p.T870S variant (also known as c.2608A>T), located in coding exon 19 of the LAMA4 gene, results from an A to T substitution at nucleotide position 2608. The threonine at codon 870 is replaced by serine, an amino acid with similar properties. This amino acid position is conserved. In addition, this alteration is predicted to be tolerated by in silico analysis. Based on the available evidence, the clinical significance of this variant remains unclear.

NM_001105206.3(LAMA4):c.2629A>T (p.Thr877Ser)

Gene: LAMA4 (laminin subunit alpha 4; minus strand). Cytogenetic location: 6q21.
Variant type: single nucleotide variant.
Coding change: c.2629A>T on transcript NM_001105206.3 (MANE Select); coding-DNA position 2629, A replaced by T.
Protein change: p.Thr877Ser; replaces threonine 877 with serine.
Molecular consequence: missense variant.
Genome position (GRCh38, 1-based): chr6:112,142,157, T>A on the plus strand (A>T on the coding strand, the complement: LAMA4 is on the minus strand). VCF-style: chr6-112142157-T-A. GRCh37 (hg19) VCF-style: chr6-112463359-T-A.
Other names: c.2608A>T, p.Thr870Ser (NM_001105207.3, NM_002290.5); short protein forms T870S, T877S.
Identifiers: ClinVar variation 4859099 (VCV004859099.1).